The following is an entry in ClinVar:

ClinVar aggregate classification (germline): Uncertain significance (1 of 4 stars; one submission).

Conditions:
Developmental and epileptic encephalopathy, 34 (DEE34). Also called: SLC12A5-Related Epilepsy of Infancy with Migrating Focal Seizures; Early infantile epileptic encephalopathy 34. Identifiers: Orphanet 293181, MedGen C4225257, MONDO:0014718, OMIM 616645.

Submission:

Labcorp Genetics (formerly Invitae), Labcorp
Classification: Uncertain significance for Developmental and epileptic encephalopathy, 34. Last evaluated: 2020-09-11. Review status: criteria provided, single submitter. Criteria: Invitae Variant Classification Sherloc (09022015). Collection method: clinical testing. Allele origin: germline.
Comment: In summary, the available evidence is currently insufficient to determine the role of this variant in disease. Therefore, it has been classified as a Variant of Uncertain Significance. Advanced modeling of protein sequence and biophysical properties (such as structural, functional, and spatial information, amino acid conservation, physicochemical variation, residue mobility, and thermodynamic stability) performed at Invitae indicates that this missense variant is expected to disrupt SLC12A5 protein function. This variant has not been reported in the literature in individuals with SLC12A5-related conditions. This variant is not present in population databases (ExAC no frequency). This sequence change replaces alanine with glycine at codon 1067 of the SLC12A5 protein (p.Ala1067Gly). The alanine residue is moderately conserved and there is a small physicochemical difference between alanine and glycine.

NM_020708.5(SLC12A5):c.3200C>G (p.Ala1067Gly)

Gene: SLC12A5 (solute carrier family 12 member 5; plus strand). Cytogenetic location: 20q13.12.
Variant type: single nucleotide variant.
Coding change: c.3200C>G on transcript NM_020708.5 (MANE Select); coding-DNA position 3200, C replaced by G.
Protein change: p.Ala1067Gly; replaces alanine 1067 with glycine.
Molecular consequence: missense variant.
Genome position (GRCh38, 1-based): chr20:46,057,244, C>G. VCF-style: chr20-46057244-C-G. GRCh37 (hg19) VCF-style: chr20-44685883-C-G.
Other names: c.3269C>G, p.Ala1090Gly (NM_001134771.2); short protein forms A1067G, A1090G.
Identifiers: ClinVar variation 1005305 (VCV001005305.9), dbSNP rs2084704738, ClinGen allele CA409209721.